The following is an entry in ClinVar:

ClinVar aggregate classification (germline): Uncertain significance (1 of 4 stars; one submission).

Conditions:
Inborn genetic diseases. Identifiers: MedGen C0950123, MeSH D030342.

Submission:

Ambry Genetics
Classification: Uncertain significance for Inborn genetic diseases. Last evaluated: 2025-02-02. Review status: criteria provided, single submitter. Criteria: Ambry Variant Classification Scheme 2023. Collection method: clinical testing. Allele origin: germline.
Comment: The p.M408V variant (also known as c.1222A>G), located in coding exon 10 of the CEP57 gene, results from an A to G substitution at nucleotide position 1222. The methionine at codon 408 is replaced by valine, an amino acid with highly similar properties. This amino acid position is conserved. In addition, this alteration is predicted to be deleterious by in silico analysis. Based on the available evidence, the clinical significance of this variant remains unclear.

NM_014679.5(CEP57):c.1222A>G (p.Met408Val)

Gene: CEP57 (centrosomal protein 57; plus strand). Cytogenetic location: 11q21.
Variant type: single nucleotide variant.
Coding change: c.1222A>G on transcript NM_014679.5 (MANE Select); coding-DNA position 1222, A replaced by G.
Protein change: p.Met408Val; replaces methionine 408 with valine.
Molecular consequence: missense variant.
Genome position (GRCh38, 1-based): chr11:95,829,281, A>G. VCF-style: chr11-95829281-A-G. GRCh37 (hg19) VCF-style: chr11-95562445-A-G.
Other names: c.1144A>G, p.Met382Val (NM_001243777.2); c.1141A>G, p.Met381Val (NM_001363604.2); c.1195A>G, p.Met399Val (NM_001243776.2); short protein forms M381V, M399V, M382V, M408V.
Identifiers: ClinVar variation 3831980 (VCV003831980.1).